The following is an entry in ClinVar:

ClinVar aggregate classification (germline): Likely benign. Review status: criteria provided, multiple submitters, no conflicts (2 of 4 stars). 4 submissions from 4 submitters: Likely benign (2). 2 of the submissions do not count toward it. Last evaluated 2024-01-09.

Conditions:
RP1L1-related disorder. Also called: RP1L1-related condition.
Inborn genetic diseases. Identifiers: MedGen C0950123, MeSH D030342.
Retinal dystrophy. Also called: Inherited retinal dystrophy. Identifiers: Orphanet 71862, MedGen C0854723, MeSH D058499, MONDO:0019118, HP:0000556.
Stargardt disease (FFM). Also called: Stargardt's disease; Fundus flavimaculatus. Identifiers: Orphanet 827, MedGen C0271093, MONDO:0019353.

Allele frequency attached by ClinVar (database versions not stated): TOPMed 0.00009; gnomAD exomes 0.00011 and 0.00017; gnomAD 0.00013; ExAC 0.00021.
gnomAD v4.1: 189 of 1,612,740 alleles (0.012%); highest among the groups gnomAD compares: Middle Eastern, 0.049%; no homozygotes.

Submissions (4):

Blueprint Genetics
Classification: Likely benign. Last evaluated: 2024-01-09. Review status: criteria provided, single submitter. Criteria: ACMG Guidelines, 2015. Collection method: clinical testing. Allele origin: germline.

Ambry Genetics
Classification: Likely benign for Inborn genetic diseases. Last evaluated: 2023-12-13. Review status: criteria provided, single submitter. Criteria: Ambry Variant Classification Scheme 2023. Collection method: clinical testing. Allele origin: germline.

PreventionGenetics, part of Exact Sciences
Classification: Uncertain significance for RP1L1-related condition. Last evaluated: 2024-09-25. Review status: no assertion criteria provided. Collection method: clinical testing. Allele origin: germline. Not counted in ClinVar's aggregate classification.
Comment: The RP1L1 c.2927C>T variant is predicted to result in the amino acid substitution p.Ala976Val. To our knowledge, this variant has not been reported in the literature. This variant is reported in 0.080% of alleles in individuals of European (Finnish) descent in gnomAD, which may be too common to be an unreported cause of disease. Although we suspect that this variant may be benign, at this time, the clinical significance of this variant is uncertain due to the absence of conclusive functional and genetic evidence.

Institute of Human Genetics, Univ. Regensburg, Univ. Regensburg
Classification: Uncertain significance for Retinal dystrophy. Last evaluated: 2022-01-01. Review status: no assertion criteria provided. Criteria: ACMG Guidelines, 2015. Collection method: clinical testing. Allele origin: germline. Affected: yes. Not counted in ClinVar's aggregate classification.

NM_178857.6(RP1L1):c.2927C>T (p.Ala976Val)

Gene: RP1L1 (RP1 like 1). Cytogenetic location: 8p23.1.
Variant type: single nucleotide variant.
Coding change: c.2927C>T on transcript NM_178857.6 (MANE Select); coding-DNA position 2927, C replaced by T.
Protein change: p.Ala976Val; replaces alanine 976 with valine.
Molecular consequence: missense variant.
Genome position (GRCh38, 1-based): chr8:10,611,171, G>A on the plus strand (C>T on the coding strand, the complement: RP1L1 is on the minus strand). VCF-style: chr8-10611171-G-A. GRCh37 (hg19) VCF-style: chr8-10468681-G-A.
Other names: short protein forms A976V.
Identifiers: ClinVar variation 684462 (VCV000684462.6), dbSNP rs200854148, ClinGen allele CA4624653.
Genomic context (GRCh38, chr8:10,611,171, plus strand): 5'-TCCCCAGGGTCCACCTCGGGGCCTCTCAGGCCACCCCCAGCTGCACCTGTGGTCTCGTCC[G>A]CCAACTCATATGTCATGAGTATGGGCTCTTCTGGAATGTTGTCCAGCCATTCGCGGACCA-3'
Protein context (NP_849188.4, residues 966-986): EEPILMTYEL[Ala976Val]DETTGAAGGG